The following is an entry in ClinVar:

NM_004958.4(MTOR):c.6107G>A (p.Arg2036His)

Gene: MTOR (mechanistic target of rapamycin kinase; minus strand). Cytogenetic location: 1p36.22.
Variant type: single nucleotide variant.
Coding change: c.6107G>A on transcript NM_004958.4 (MANE Select); coding-DNA position 6107, G replaced by A.
Protein change: p.Arg2036His; replaces arginine 2036 with histidine.
Molecular consequence: missense variant.
Genome position (GRCh38, 1-based): chr1:11,127,733, C>T on the plus strand (G>A on the coding strand, the complement: MTOR is on the minus strand). VCF-style: chr1-11127733-C-T. GRCh37 (hg19) VCF-style: chr1-11187790-C-T.
Other names: short protein forms R2036H.
Identifiers: ClinVar variation 960281 (VCV000960281.12), dbSNP rs1642913016, ClinGen allele CA338393889.

ClinVar aggregate classification (germline): Conflicting classifications of pathogenicity. Review status: criteria provided, conflicting classifications (1 of 4 stars). 3 submissions from 3 submitters: Uncertain significance (2); Likely benign (1). Last evaluated 2025-04-03.

Allele frequency attached by ClinVar (database versions not stated): TOPMed below 0.00001; gnomAD 0.00001.
gnomAD v4.1: 1 of 1,614,018 alleles (0.000062%); highest among the groups gnomAD compares: Non-Finnish European, 0.000085%; no homozygotes.

Submissions (3):

GeneDx
Classification: Uncertain significance. Last evaluated: 2025-04-03. Review status: criteria provided, single submitter. Criteria: GeneDx Variant Classification Process June 2021. Collection method: clinical testing. Allele origin: germline. Affected: yes.
Comment: In silico analysis supports that this missense variant has a deleterious effect on protein structure/function; Has not been previously published as pathogenic or benign to our knowledge

Women's Health and Genetics/Laboratory Corporation of America, LabCorp
Classification: Uncertain significance. Last evaluated: 2024-06-27. Review status: criteria provided, single submitter. Criteria: LabCorp Variant Classification Summary - May 2015. Collection method: clinical testing. Allele origin: germline.
Comment: Variant summary: MTOR c.6107G>A (p.Arg2036His) results in a non-conservative amino acid change located in the FKBP12-rapamycin binding domain (IPR009076) of the encoded protein sequence. Four of five in-silico tools predict a damaging effect of the variant on protein function. The variant was absent in 251408 control chromosomes. The available data on variant occurrences in the general population are insufficient to allow any conclusion about variant significance. To our knowledge, no occurrence of c.6107G>A in individuals affected with Smith-Kingsmore Syndrome and no experimental evidence demonstrating its impact on protein function have been reported. ClinVar contains an entry for this variant (Variation ID: 960281). Based on the evidence outlined above, the variant was classified as uncertain significance.

Labcorp Genetics (formerly Invitae), Labcorp
Classification: Likely benign. Last evaluated: 2022-06-13. Review status: criteria provided, single submitter. Criteria: Invitae Variant Classification Sherloc (09022015). Collection method: clinical testing. Allele origin: germline.